The following is an entry in ClinVar:

ClinVar aggregate classification (germline): Pathogenic (1 of 4 stars; one submission).

Conditions:
Hereditary spastic paraplegia 11. Also called: SPASTIC PARAPLEGIA, AUTOSOMAL RECESSIVE, COMPLICATED, WITH THIN CORPUS CALLOSUM; SPASTIC PARAPLEGIA, AUTOSOMAL RECESSIVE, WITH MENTAL IMPAIRMENT AND THIN CORPUS CALLOSUM; Spastic paraplegia, mental retardation and thin corpus callosum; Nakamura Osame syndrome; Autosomal recessive hereditary spastic paraplegia, mental impairment, and thin corpus callosum; Spastic Paraplegia 11. Identifiers: Orphanet 2822, MedGen C1858479, MONDO:0011445, OMIM 604360.

Submission:

Labcorp Genetics (formerly Invitae), Labcorp
Classification: Pathogenic for Hereditary spastic paraplegia 11. Last evaluated: 2022-12-21. Review status: criteria provided, single submitter. Criteria: Invitae Variant Classification Sherloc (09022015). Collection method: clinical testing. Allele origin: germline.
Comment: For these reasons, this variant has been classified as Pathogenic. Algorithms developed to predict the effect of sequence changes on RNA splicing suggest that this variant may disrupt the consensus splice site. ClinVar contains an entry for this variant (Variation ID: 939230). This premature translational stop signal has been observed in individual(s) with hereditary spastic paraplegia (Invitae). It has also been observed to segregate with disease in related individuals. This variant is not present in population databases (gnomAD no frequency). This sequence change creates a premature translational stop signal (p.Glu1939*) in the SPG11 gene. It is expected to result in an absent or disrupted protein product. Loss-of-function variants in SPG11 are known to be pathogenic (PMID: 19105190, 20110243, 22154821, 26556829).

Literature cited by the submitters: PubMed 19105190; PubMed 20110243; PubMed 22154821; PubMed 26556829.

NM_025137.4(SPG11):c.5815G>T (p.Glu1939Ter)

Gene: SPG11 (SPG11 vesicle trafficking associated, spatacsin; minus strand). Cytogenetic location: 15q21.1.
Variant type: single nucleotide variant.
Coding change: c.5815G>T on transcript NM_025137.4 (MANE Select); coding-DNA position 5815, G replaced by T.
Protein change: p.Glu1939Ter; replaces glutamic acid 1939 with a stop codon.
Molecular consequence: nonsense.
Genome position (GRCh38, 1-based): chr15:44,583,865, C>A on the plus strand (G>T on the coding strand, the complement: SPG11 is on the minus strand). VCF-style: chr15-44583865-C-A. GRCh37 (hg19) VCF-style: chr15-44876063-C-A.
Other names: c.5815G>T, p.Glu1939Ter (NM_001160227.2); short protein forms E1939*.
Identifiers: ClinVar variation 939230 (VCV000939230.9), dbSNP rs2082702986, ClinGen allele CA392221027.